The following is an entry in ClinVar:

NM_004281.4(BAG3):c.1048C>T (p.Pro350Ser)

Gene: BAG3 (BAG cochaperone 3; plus strand). Cytogenetic location: 10q26.11.
Variant type: single nucleotide variant.
Coding change: c.1048C>T on transcript NM_004281.4 (MANE Select); coding-DNA position 1048, C replaced by T.
Protein change: p.Pro350Ser; replaces proline 350 with serine.
Molecular consequence: missense variant.
Genome position (GRCh38, 1-based): chr10:119,676,602, C>T. VCF-style: chr10-119676602-C-T. GRCh37 (hg19) VCF-style: chr10-121436114-C-T.
Other names: short protein forms P350S.
Identifiers: ClinVar variation 3751478 (VCV003751478.3).

ClinVar aggregate classification (germline): Uncertain significance. Review status: criteria provided, multiple submitters, no conflicts (2 of 4 stars). 2 submissions from 2 submitters: Uncertain significance (2). Last evaluated 2025-12-13.

Conditions:
Myofibrillar myopathy 6. Identifiers: Orphanet 199340, MedGen C2751831, MONDO:0013061, OMIM 612954.
Dilated cardiomyopathy 1HH (CMD1HH). Identifiers: Orphanet 154, MedGen C3151293, MONDO:0013479, OMIM 613881.

gnomAD v4.1: 2 of 1,614,160 alleles (0.00012%); highest among the groups gnomAD compares: South Asian, 0.0011%; no homozygotes.

Submissions (2):

Labcorp Genetics (formerly Invitae), Labcorp
Classification: Uncertain significance for Dilated cardiomyopathy 1HH; Myofibrillar myopathy 6. Last evaluated: 2025-12-13. Review status: criteria provided, single submitter. Criteria: Invitae Variant Classification Sherloc (09022015). Collection method: clinical testing. Allele origin: germline.
Comment: This sequence change replaces proline, which is neutral and non-polar, with serine, which is neutral and polar, at codon 350 of the BAG3 protein (p.Pro350Ser). This variant is not present in population databases (gnomAD no frequency). This variant has not been reported in the literature in individuals affected with BAG3-related conditions. ClinVar contains an entry for this variant (Variation ID: 3751478). Invitae Evidence Modeling of protein sequence and biophysical properties (such as structural, functional, and spatial information, amino acid conservation, physicochemical variation, residue mobility, and thermodynamic stability) indicates that this missense variant is not expected to disrupt BAG3 protein function with a negative predictive value of 80%. In summary, the available evidence is currently insufficient to determine the role of this variant in disease. Therefore, it has been classified as a Variant of Uncertain Significance.

GeneDx
Classification: Uncertain significance. Last evaluated: 2025-05-29. Review status: criteria provided, single submitter. Criteria: GeneDx Variant Classification Process June 2021. Collection method: clinical testing. Allele origin: germline. Affected: yes.
Comment: Not observed at significant frequency in large population cohorts (gnomAD); In silico analysis supports that this missense variant has a deleterious effect on protein structure/function; Has not been previously published as pathogenic or benign to our knowledge; This variant is associated with the following publications: (PMID: 20001957)